The following is an entry in ClinVar:

NM_032237.5(POMK):c.565A>G (p.Ile189Val)

Gene: POMK (protein O-mannose kinase; plus strand). Cytogenetic location: 8p11.21.
Variant type: single nucleotide variant.
Coding change: c.565A>G on transcript NM_032237.5 (MANE Select); coding-DNA position 565, A replaced by G.
Protein change: p.Ile189Val; replaces isoleucine 189 with valine.
Molecular consequence: missense variant.
Genome position (GRCh38, 1-based): chr8:43,122,389, A>G. VCF-style: chr8-43122389-A-G. GRCh37 (hg19) VCF-style: chr8-42977532-A-G.
Other names: c.565A>G, p.Ile189Val (NM_001277971.2); short protein forms I189V.
Identifiers: ClinVar variation 436700 (VCV000436700.23), dbSNP rs149297443, ClinGen allele CA4736303.

ClinVar aggregate classification (germline): Conflicting classifications of pathogenicity. Review status: criteria provided, conflicting classifications (1 of 4 stars). 8 submissions from 8 submitters: Uncertain significance (2); Likely benign (5). 1 of the submissions does not count toward it. Last evaluated 2026-07-01.

Conditions:
POMK-related disorder. Also called: POMK-related condition.
Limb-girdle muscular dystrophy due to POMK deficiency. Also called: MUSCULAR DYSTROPHY-DYSTROGLYCANOPATHY, LIMB-GIRDLE, POMK-RELATED; Muscular dystrophy-dystroglycanopathy (limb-girdle), type c, 12. Identifiers: Orphanet 445110, MedGen C4015184, MONDO:0014489, OMIM 616094.
Muscular dystrophy-dystroglycanopathy (congenital with brain and eye anomalies), type a, 12 (MDDGA12). Also called: WALKER-WARBURG SYNDROME OR MUSCLE-EYE-BRAIN DISEASE, POMK-RELATED. Identifiers: Orphanet 899, MedGen C3808964, MONDO:0014101, OMIM 615249.
Inborn genetic diseases. Identifiers: MedGen C0950123, MeSH D030342.

Allele frequency attached by ClinVar (database versions not stated): gnomAD 0.00057; 1000 Genomes Project 0.00060; 1000 Genomes Project 30x 0.00062; TOPMed 0.00097; ESP Exome Variant Server 0.00108.
gnomAD v4.1: 1,478 of 1,614,238 alleles (0.092%); highest among the groups gnomAD compares: Middle Eastern, 1%; 8 homozygotes.

Submissions (8):

CeGaT Center for Human Genetics Tuebingen
Classification: Likely benign. Last evaluated: 2026-07-01. Review status: criteria provided, single submitter. Criteria: CeGaT Center For Human Genetics Tuebingen Variant Classification Criteria Version 2. Collection method: clinical testing. Allele origin: germline. Affected: yes. Observed: 1 variant allele.
Comment: POMK: BP4

Labcorp Genetics (formerly Invitae), Labcorp
Classification: Likely benign for Muscular dystrophy-dystroglycanopathy (congenital with brain and eye anomalies), type a, 12; Limb-girdle muscular dystrophy due to POMK deficiency. Last evaluated: 2026-01-12. Review status: criteria provided, single submitter. Criteria: Invitae Variant Classification Sherloc (09022015). Collection method: clinical testing. Allele origin: germline.

Blueprint Genetics
Classification: Likely benign. Last evaluated: 2024-11-18. Review status: criteria provided, single submitter. Criteria: ACMG Guidelines, 2015. Collection method: clinical testing. Allele origin: germline.

Ambry Genetics
Classification: Likely benign for Inborn genetic diseases. Last evaluated: 2023-02-28. Review status: criteria provided, single submitter. Criteria: Ambry Variant Classification Scheme 2023. Collection method: clinical testing. Allele origin: germline.

GeneDx
Classification: Likely benign. Last evaluated: 2021-03-30. Review status: criteria provided, single submitter. Criteria: GeneDx Variant Classification Process June 2021. Collection method: clinical testing. Allele origin: germline. Affected: yes.

Baylor Genetics
Classification: Uncertain significance for Muscular dystrophy-dystroglycanopathy (congenital with brain and eye anomalies), type a, 12. Last evaluated: 2018-08-22. Review status: criteria provided, single submitter. Criteria: ACMG Guidelines, 2015. Collection method: clinical testing. Allele origin: paternal. Affected: yes.
Comment: This variant was determined to be of uncertain significance according to ACMG Guidelines, 2015 [PMID:25741868].

Genetic Services Laboratory, University of Chicago
Classification: Uncertain significance. Last evaluated: 2017-04-11. Review status: criteria provided, single submitter. Criteria: ACMG Guidelines, 2015. Collection method: clinical testing. Allele origin: germline. Affected: no.

PreventionGenetics, part of Exact Sciences
Classification: Likely benign for POMK-related condition. Last evaluated: 2022-02-09. Review status: no assertion criteria provided. Collection method: clinical testing. Allele origin: germline. Not counted in ClinVar's aggregate classification.
Comment: This variant is classified as likely benign based on ACMG/AMP sequence variant interpretation guidelines (Richards et al. 2015 PMID: 25741868, with internal and published modifications).